The following is an entry in ClinVar:

NM_000875.5(IGF1R):c.3298-9C>G

Gene: IGF1R (insulin like growth factor 1 receptor; plus strand). Cytogenetic location: 15q26.3.
Variant type: single nucleotide variant.
Coding change: c.3298-9C>G on transcript NM_000875.5 (MANE Select); 9 bases into the intron before coding-DNA position 3298, C replaced by G.
Molecular consequence: intron variant.
Genome position (GRCh38, 1-based): chr15:98,939,192, C>G. VCF-style: chr15-98939192-C-G. GRCh37 (hg19) VCF-style: chr15-99482421-C-G.
Other names: c.3295-9C>G (NM_001291858.2).
Identifiers: ClinVar variation 782604 (VCV000782604.18), dbSNP rs7168369, ClinGen allele CA7752651.

ClinVar aggregate classification (germline): Benign/Likely benign. Review status: criteria provided, multiple submitters, no conflicts (2 of 4 stars). 5 submissions from 5 submitters: Benign (3); Likely benign (1). 1 of the submissions does not count toward it. Last evaluated 2026-02-03.

Conditions:
Growth delay due to insulin-like growth factor I resistance. Also called: Insulin-Like Growth Factor I Resistance; IGF-I RESISTANCE; Somatomedin end-organ insensitivity to; Somatomedin-c resistance to; IGF-1 resistance. Identifiers: Orphanet 73273, MedGen C1849157, MONDO:0010038, OMIM 270450.
IGF1R-related disorder. Also called: IGF1R-related condition.

Allele frequency attached by ClinVar (database versions not stated): gnomAD exomes 0.00045 and 0.00116; ExAC 0.00153; gnomAD 0.00462 and 0.00488; TOPMed 0.00523; 1000 Genomes Project 0.00559; ESP Exome Variant Server 0.00577; 1000 Genomes Project 30x 0.00578.
gnomAD v4.1: 1,384 of 1,612,580 alleles (0.086%); highest among the groups gnomAD compares: African/African-American, 1.6%; 6 homozygotes.

Submissions (7):

Labcorp Genetics (formerly Invitae), Labcorp
Classification: Benign. Last evaluated: 2026-02-03. Review status: criteria provided, single submitter. Criteria: Invitae Variant Classification Sherloc (09022015). Collection method: clinical testing. Allele origin: germline.

Blueprint Genetics
Classification: Likely benign. Last evaluated: 2024-09-24. Review status: criteria provided, single submitter. Criteria: ACMG Guidelines, 2015. Collection method: clinical testing. Allele origin: germline.

Illumina Laboratory Services, Illumina
Classification: Benign for Growth delay due to insulin-like growth factor I resistance. Last evaluated: 2018-01-13. Review status: criteria provided, single submitter. Criteria: ICSL Variant Classification Criteria 13 December 2019. Collection method: clinical testing. Allele origin: germline.
Comment: This variant was observed in the ICSL laboratory as part of a predisposition screen in an ostensibly healthy population. It had not been previously curated by ICSL or reported in the Human Gene Mutation Database (HGMD: prior to June 1st, 2018), and was therefore a candidate for classification through an automated scoring system. Utilizing variant allele frequency, disease prevalence and penetrance estimates, and inheritance mode, an automated score was calculated to assess if this variant is too frequent to cause the disease. Based on the score and internal cut-off values, a variant classified as benign is not then subjected to further curation. The score for this variant resulted in a classification of benign for this disease.

Breakthrough Genomics
Classification: Benign. Review status: criteria provided, single submitter. Criteria: ACMG Guidelines, 2015. Collection method: not provided. Allele origin: germline. Inheritance: Autosomal dominant inheritance. Affected: yes.

PreventionGenetics, part of Exact Sciences
Classification: Benign for IGF1R-related condition. Last evaluated: 2019-06-11. Review status: no assertion criteria provided. Collection method: clinical testing. Allele origin: germline. Not counted in ClinVar's aggregate classification.
Comment: This variant is classified as benign based on ACMG/AMP sequence variant interpretation guidelines (Richards et al. 2015 PMID: 25741868, with internal and published modifications).

Dr. Peter K. Rogan Lab, Western University
No classification provided (evidence only). Condition: Familial cancer of breast. Review status: no classification provided. Collection method: in vitro. Allele origin: not applicable. Functional consequence: retained intron. Not counted in ClinVar's aggregate classification.

Dr. Peter K. Rogan Lab, Western University
No classification provided (evidence only). Condition: Sarcoma. Review status: no classification provided. Collection method: in vitro. Allele origin: not applicable. Functional consequence: retained intron. Not counted in ClinVar's aggregate classification.